The following is an entry in ClinVar:

ClinVar aggregate classification (germline): Uncertain significance (1 of 4 stars; one submission).

gnomAD v4.1: 3 of 1,209,283 alleles (0.00025%); highest among the groups gnomAD compares: Non-Finnish European, 0.00034%; no homozygotes.

Submission:

Labcorp Genetics (formerly Invitae), Labcorp
Classification: Uncertain significance. Last evaluated: 2023-06-03. Review status: criteria provided, single submitter. Criteria: Invitae Variant Classification Sherloc (09022015). Collection method: clinical testing. Allele origin: germline.
Comment: ClinVar contains an entry for this variant (Variation ID: 1358009). Algorithms developed to predict the effect of missense changes on protein structure and function output the following: SIFT: "Not Available"; PolyPhen-2: "Benign"; Align-GVGD: "Not Available". The leucine amino acid residue is found in multiple mammalian species, which suggests that this missense change does not adversely affect protein function. In summary, the available evidence is currently insufficient to determine the role of this variant in disease. Therefore, it has been classified as a Variant of Uncertain Significance. This sequence change replaces proline, which is neutral and non-polar, with leucine, which is neutral and non-polar, at codon 332 of the RNF113A protein (p.Pro332Leu). This variant is not present in population databases (gnomAD no frequency). This variant has not been reported in the literature in individuals affected with RNF113A-related conditions.

NM_006978.3(RNF113A):c.995C>T (p.Pro332Leu)

Gene: RNF113A (ring finger protein 113A; minus strand). Cytogenetic location: Xq24.
Variant type: single nucleotide variant.
Coding change: c.995C>T on transcript NM_006978.3 (MANE Select); coding-DNA position 995, C replaced by T.
Protein change: p.Pro332Leu; replaces proline 332 with leucine.
Molecular consequence: missense variant.
Genome position (GRCh38, 1-based): chrX:119,870,619, G>A on the plus strand (C>T on the coding strand, the complement: RNF113A is on the minus strand). VCF-style: chrX-119870619-G-A. GRCh37 (hg19) VCF-style: chrX-119004582-G-A.
Other names: short protein forms P332L.
Identifiers: ClinVar variation 1358009 (VCV001358009.8), dbSNP rs2147812166, ClinGen allele CA414186284.
Genomic context (GRCh38, chrX:119,870,619, plus strand): 5'-TAAATTTAAGAATTATGGGAAACCTAAGTAATGGGAATTGCATCCTCATCGGGGTCTTCT[G>A]GCAAGTCGGAAGCACCACCCTCTCCTGTAGCTCGATGCTTCTCTAGTTTAGCAATCAATT-3'
Protein context (NP_008909.1, residues 322-342): ATGEGGASDL[Pro332Leu]EDPDEDAIPI